The following is an entry in ClinVar:

ClinVar aggregate classification (germline): Likely benign (0 of 4 stars; one submission).

Conditions:
PLXNA3-related disorder. Also called: PLXNA3-related condition.

Allele frequency attached by ClinVar (database versions not stated): TOPMed 0.00003; gnomAD exomes 0.00004; ExAC 0.00005; gnomAD 0.00006; ESP Exome Variant Server 0.00009; 1000 Genomes Project 30x 0.00021; 1000 Genomes Project 0.00026.
gnomAD v4.1: 56 of 1,208,487 alleles (0.0046%); highest among the groups gnomAD compares: Middle Eastern, 0.024%; no homozygotes.

Submission:

PreventionGenetics, part of Exact Sciences
Classification: Likely benign for PLXNA3-related condition. Last evaluated: 2022-08-16. Review status: no assertion criteria provided. Collection method: clinical testing. Allele origin: germline.
Comment: This variant is classified as likely benign based on ACMG/AMP sequence variant interpretation guidelines (Richards et al. 2015 PMID: 25741868, with internal and published modifications).

NM_017514.5(PLXNA3):c.2724G>A (p.Pro908=)

Gene: PLXNA3 (plexin A3; plus strand). Cytogenetic location: Xq28.
Variant type: single nucleotide variant.
Coding change: c.2724G>A on transcript NM_017514.5 (MANE Select); coding-DNA position 2724, G replaced by A.
Protein change: p.Pro908=; no amino-acid change (proline 908 retained).
Molecular consequence: synonymous variant.
Genome position (GRCh38, 1-based): chrX:154,466,195, G>A. VCF-style: chrX-154466195-G-A. GRCh37 (hg19) VCF-style: chrX-153694538-G-A.
Identifiers: ClinVar variation 3035923 (VCV003035923.2), dbSNP rs377575555, ClinGen allele CA10564464.